The following is an entry in ClinVar:

NM_000701.8(ATP1A1):c.183+4T>C

Gene: ATP1A1 (ATPase Na+/K+ transporting subunit alpha 1; plus strand). Cytogenetic location: 1p13.1.
Variant type: single nucleotide variant.
Coding change: c.183+4T>C on transcript NM_000701.8 (MANE Select); 4 bases into the intron after coding-DNA position 183, T replaced by C.
Molecular consequence: intron variant.
Genome position (GRCh38, 1-based): chr1:116,384,846, T>C. VCF-style: chr1-116384846-T-C. GRCh37 (hg19) VCF-style: chr1-116927468-T-C.
Other names: p.?; c.183+4T>C (NM_001160233.2); c.90+4T>C (NM_001160234.2).
Identifiers: ClinVar variation 779298 (VCV000779298.35), dbSNP rs61788015, ClinGen allele CA1025037.

ClinVar aggregate classification (germline): Benign/Likely benign. Review status: criteria provided, multiple submitters, no conflicts (2 of 4 stars). 4 submissions from 4 submitters: Benign (2); Likely benign (1). 1 of the submissions does not count toward it. Last evaluated 2026-05-01.

Conditions:
ATP1A1-related disorder. Also called: ATP1A1-related condition.

Allele frequency attached by ClinVar (database versions not stated): 1000 Genomes Project 0.00180; 1000 Genomes Project 30x 0.00187; gnomAD 0.00205 and 0.00216; TOPMed 0.00214; ESP Exome Variant Server 0.00292; gnomAD exomes 0.00300 and 0.00371; ExAC 0.00311.

Submissions (4):

CeGaT Center for Human Genetics Tuebingen
Classification: Likely benign. Last evaluated: 2026-05-01. Review status: criteria provided, single submitter. Criteria: CeGaT Center For Human Genetics Tuebingen Variant Classification Criteria Version 2. Collection method: clinical testing. Allele origin: germline. Affected: yes. Observed: 21 variant alleles.
Comment: ATP1A1: BP4, BS2

Labcorp Genetics (formerly Invitae), Labcorp
Classification: Benign. Last evaluated: 2026-02-02. Review status: criteria provided, single submitter. Criteria: Invitae Variant Classification Sherloc (09022015). Collection method: clinical testing. Allele origin: germline.

Mayo Clinic Laboratories, Mayo Clinic
Classification: Benign. Last evaluated: 2023-12-15. Review status: criteria provided, single submitter. Criteria: ACMG Guidelines, 2015. Collection method: clinical testing. Allele origin: germline. Observed: 5 variant alleles.
Comment: BA1, BS2, BP4, BP7

PreventionGenetics, part of Exact Sciences
Classification: Benign for ATP1A1-related condition. Last evaluated: 2024-07-22. Review status: no assertion criteria provided. Collection method: clinical testing. Allele origin: germline. Not counted in ClinVar's aggregate classification.
Comment: This variant is classified as benign based on ACMG/AMP sequence variant interpretation guidelines (Richards et al. 2015 PMID: 25741868, with internal and published modifications).